The following is an entry in ClinVar:

NM_004612.4(TGFBR1):c.452G>A (p.Arg151His)

Gene: TGFBR1 (transforming growth factor beta receptor 1; plus strand). Cytogenetic location: 9q22.33.
Variant type: single nucleotide variant.
Coding change: c.452G>A on transcript NM_004612.4 (MANE Select); coding-DNA position 452, G replaced by A.
Protein change: p.Arg151His; replaces arginine 151 with histidine.
Molecular consequence: missense variant. On other transcripts: intron variant (1).
Genome position (GRCh38, 1-based): chr9:99,132,617, G>A. VCF-style: chr9-99132617-G-A. GRCh37 (hg19) VCF-style: chr9-101894899-G-A.
Other names: c.464G>A, p.Arg155His (NM_001306210.2, NM_001407416.1); c.452G>A, p.Arg151His (NM_001407417.1, NM_001407435.1); c.257G>A, p.Arg86His (NM_001407418.1, NM_001407419.1, NM_001407420.1 and 1 more transcripts); c.245G>A, p.Arg82His (NM_001407423.1, NM_001407424.1, NM_001407425.1 and 8 more transcripts); c.206G>A, p.Arg69His (NM_001407436.1); c.343+3517G>A (NM_001130916.3); short protein forms R151H, R155H, R86H, R69H, R82H.
Identifiers: ClinVar variation 2184474 (VCV002184474.4), dbSNP rs539413187, ClinGen allele CA042092.

ClinVar aggregate classification (germline): Conflicting classifications of pathogenicity. Review status: criteria provided, conflicting classifications (1 of 4 stars). 2 submissions from 2 submitters: Uncertain significance (1); Likely benign (1). Last evaluated 2025-10-15.

Conditions:
Familial thoracic aortic aneurysm and aortic dissection (TAAD). Also called: Thoracic aortic aneurysms and dissections. Identifiers: Orphanet 91387, MedGen C4707243, MONDO:0019625.

Allele frequency attached by ClinVar (database versions not stated): ExAC 0.00003; gnomAD 0.00003; 1000 Genomes Project 0.00060; 1000 Genomes Project 30x 0.00078.
gnomAD v4.1: 10 of 1,614,130 alleles (0.00062%); highest among the groups gnomAD compares: Admixed American, 0.005%; no homozygotes.

Submissions (2):

Labcorp Genetics (formerly Invitae), Labcorp
Classification: Likely benign for Familial thoracic aortic aneurysm and aortic dissection. Last evaluated: 2025-10-15. Review status: criteria provided, single submitter. Criteria: Invitae Variant Classification Sherloc (09022015). Collection method: clinical testing. Allele origin: germline.

Color Diagnostics, LLC DBA Color Health
Classification: Uncertain significance for Familial thoracic aortic aneurysm and aortic dissection. Last evaluated: 2024-03-06. Review status: criteria provided, single submitter. Criteria: ACMG Guidelines, 2015. Collection method: clinical testing. Allele origin: germline.
Comment: This missense variant replaces arginine with histidine at codon 151 of the TGFBR1 protein. Computational prediction suggests that this variant may not impact protein structure and function. To our knowledge, functional studies have not been reported for this variant. This variant has not been reported in individuals affected with TGFBR1-related disorders in the literature. This variant has been identified in 6/251076 chromosomes in the general population by the Genome Aggregation Database (gnomAD). The available evidence is insufficient to determine the role of this variant in disease conclusively. Therefore, this variant is classified as a Variant of Uncertain Significance.